The following is an entry in ClinVar:

NM_052867.4(NALCN):c.5078G>A (p.Arg1693Lys)

Genes: NALCN (sodium leak channel, non-selective; minus strand), NALCN-AS1 (NALCN antisense RNA 1; plus strand). Cytogenetic location: 13q32.3.
Variant type: single nucleotide variant.
Coding change: c.5078G>A on transcript NM_052867.4 (MANE Select); coding-DNA position 5078, G replaced by A.
Protein change: p.Arg1693Lys; replaces arginine 1693 with lysine.
Molecular consequence: missense variant. On other transcripts: non-coding transcript variant (1).
Genome position (GRCh38, 1-based): chr13:101,055,434, C>T on the plus strand (G>A on the coding strand, the complement: NALCN is on the minus strand). VCF-style: chr13-101055434-C-T. GRCh37 (hg19) VCF-style: chr13-101707786-C-T.
Other names: c.5165G>A, p.Arg1722Lys (NM_001350748.2); c.5078G>A, p.Arg1693Lys (NM_001350749.2); c.4991G>A, p.Arg1664Lys (NM_001350750.2, NM_001350751.2); short protein forms R1664K, R1693K, R1722K.
Identifiers: ClinVar variation 1304411 (VCV001304411.2), dbSNP rs770837996, ClinGen allele CA7034920.
Genomic context (GRCh38, chr13:101,055,434, plus strand): 5'-CCGCAGGAAGCCGCGTCAGTCATGGGGTTCATTTTGCACACGACAGATTTCATGGTTGTC[C>T]TTCCTCCAAACCGTAAGTTGACTGAGGACACTGAATGGCTTATTGGTTTTGGGGCTGTGG-3'
Protein context (NP_443099.1, residues 1683-1703): VSSVNLRFGG[Arg1693Lys]TTMKSVVCKM

ClinVar aggregate classification (germline): Uncertain significance (1 of 4 stars; one submission).

Allele frequency attached by ClinVar (database versions not stated): gnomAD exomes below 0.00001 and 0.00001; ExAC 0.00001.
gnomAD v4.1: 2 of 1,614,130 alleles (0.00012%); highest among the groups gnomAD compares: South Asian, 0.0022%; no homozygotes.

Submission:

GeneDx
Classification: Uncertain significance. Last evaluated: 2020-01-27. Review status: criteria provided, single submitter. Criteria: GeneDx Variant Classification Process June 2021. Collection method: clinical testing. Allele origin: germline. Affected: yes.
Comment: In silico analysis, which includes protein predictors and evolutionary conservation, supports that this variant does not alter protein structure/function; Has not been previously published as pathogenic or benign to our knowledge